The following is an entry in ClinVar:

NM_014317.5(PDSS1):c.968C>T (p.Thr323Ile)

Gene: PDSS1 (decaprenyl diphosphate synthase subunit 1; plus strand). Cytogenetic location: 10p12.1.
Variant type: single nucleotide variant.
Coding change: c.968C>T on transcript NM_014317.5 (MANE Select); coding-DNA position 968, C replaced by T.
Protein change: p.Thr323Ile; replaces threonine 323 with isoleucine.
Molecular consequence: missense variant. On other transcripts: intron variant (1).
Genome position (GRCh38, 1-based): chr10:26,735,521, C>T. VCF-style: chr10-26735521-C-T. GRCh37 (hg19) VCF-style: chr10-27024450-C-T.
Other names: c.458C>T, p.Thr153Ile (NM_001321979.2); c.836-6976C>T (NM_001321978.2); short protein forms T323I, T153I.
Identifiers: ClinVar variation 440031 (VCV000440031.10), dbSNP rs370033107, ClinGen allele CA5447085.

ClinVar aggregate classification (germline): Uncertain significance. Review status: criteria provided, multiple submitters, no conflicts (2 of 4 stars). 2 submissions from 2 submitters: Uncertain significance (2). Last evaluated 2022-08-20.

Allele frequency attached by ClinVar (database versions not stated): ExAC 0.00001; gnomAD exomes 0.00002; gnomAD 0.00008 and 0.00009; TOPMed 0.00008; ESP Exome Variant Server 0.00015.

Submissions (2):

Labcorp Genetics (formerly Invitae), Labcorp
Classification: Uncertain significance. Last evaluated: 2022-08-20. Review status: criteria provided, single submitter. Criteria: Invitae Variant Classification Sherloc (09022015). Collection method: clinical testing. Allele origin: germline.
Comment: This sequence change replaces threonine, which is neutral and polar, with isoleucine, which is neutral and non-polar, at codon 323 of the PDSS1 protein (p.Thr323Ile). This variant is present in population databases (rs370033107, gnomAD 0.009%). This variant has not been reported in the literature in individuals affected with PDSS1-related conditions. ClinVar contains an entry for this variant (Variation ID: 440031). Algorithms developed to predict the effect of missense changes on protein structure and function are either unavailable or do not agree on the potential impact of this missense change (SIFT: "Not Available"; PolyPhen-2: "Probably Damaging"; Align-GVGD: "Not Available"). In summary, the available evidence is currently insufficient to determine the role of this variant in disease. Therefore, it has been classified as a Variant of Uncertain Significance.

ARUP Laboratories, Molecular Genetics and Genomics, ARUP Laboratories
Classification: Uncertain significance. Last evaluated: 2017-05-02. Review status: criteria provided, single submitter. Criteria: ARUP Molecular Germline Variant Investigation Process. Collection method: clinical testing. Allele origin: germline.
Comment: The p.Thr323Ile variant (rs370033107) has not been reported in the medical literature, is not listed in gene-specific variant databases, nor has it been previously identified in our laboratory. It is listed in the Genome Aggregation Database (gnomAD) browser with an overall frequency of 0.002% (identified in 4 out of 246,078 chromosomes). The threonine at codon 323 is moderately conserved considering 13 species (Alamut software v2.8.1), and computational analyses suggest this variant has a significant effect on PDSS1 protein structure/function (SIFT: damaging and PolyPhen2: possibly damaging). However, based on the available information, the clinical significance of the p.Thr323Ile variant cannot be determined with certainty.